The following is an entry in ClinVar:

NM_004310.5(RHOH):c.181G>A (p.Gly61Ser)

Gene: RHOH (ras homolog family member H; plus strand). Cytogenetic location: 4p14.
Variant type: single nucleotide variant.
Coding change: c.181G>A on transcript NM_004310.5 (MANE Select); coding-DNA position 181, G replaced by A.
Protein change: p.Gly61Ser; replaces glycine 61 with serine.
Molecular consequence: missense variant.
Genome position (GRCh38, 1-based): chr4:40,243,567, G>A. VCF-style: chr4-40243567-G-A. GRCh37 (hg19) VCF-style: chr4-40245187-G-A.
Other names: c.181G>A, p.Gly61Ser (NM_001278359.2, NM_001278360.2, NM_001278361.2 and 8 more transcripts); short protein forms G61S.
Identifiers: ClinVar variation 577507 (VCV000577507.9), dbSNP rs1000856485, ClinGen allele CA96152688.

ClinVar aggregate classification (germline): Uncertain significance. Review status: criteria provided, multiple submitters, no conflicts (2 of 4 stars). 2 submissions from 2 submitters: Uncertain significance (2). Last evaluated 2026-04-23.

Conditions:
T-cell immunodeficiency with epidermodysplasia verruciformis. Identifiers: Orphanet 324294, MedGen C4749500, MONDO:0017925.

Allele frequency attached by ClinVar (database versions not stated): gnomAD exomes below 0.00001; gnomAD 0.00001; TOPMed 0.00002.
gnomAD v4.1: 8 of 1,614,004 alleles (0.0005%); highest among the groups gnomAD compares: Non-Finnish European, 0.00068%; no homozygotes.

Submissions (2):

Women's Health and Genetics/Laboratory Corporation of America, LabCorp
Classification: Uncertain significance. Last evaluated: 2026-04-23. Review status: criteria provided, single submitter. Criteria: LabCorp Variant Classification Summary - May 2015. Collection method: clinical testing. Allele origin: germline.
Comment: Variant summary: RHOH c.181G>A (p.Gly61Ser) results in a non-conservative amino acid change in the encoded protein sequence. Algorithms developed to predict the effect of missense changes on protein structure and function all suggest that this variant is likely to be disruptive. The variant allele was found at a frequency of 4e-06 in 251380 control chromosomes. The available data on variant occurrences in the general population are insufficient to allow any conclusion about variant significance. To our knowledge, no occurrence of c.181G>A in individuals affected with RHOH-related conditions and no experimental evidence demonstrating its impact on protein function have been reported. ClinVar contains an entry for this variant (Variation ID: 577507). Based on the evidence outlined above, the variant was classified as uncertain significance.

Labcorp Genetics (formerly Invitae), Labcorp
Classification: Uncertain significance for T-cell immunodeficiency with epidermodysplasia verruciformis. Last evaluated: 2022-07-14. Review status: criteria provided, single submitter. Criteria: Invitae Variant Classification Sherloc (09022015). Collection method: clinical testing. Allele origin: germline.
Comment: This sequence change replaces glycine, which is neutral and non-polar, with serine, which is neutral and polar, at codon 61 of the RHOH protein (p.Gly61Ser). This variant is present in population databases (no rsID available, gnomAD 0.002%). This variant has not been reported in the literature in individuals affected with RHOH-related conditions. ClinVar contains an entry for this variant (Variation ID: 577507). Algorithms developed to predict the effect of missense changes on protein structure and function (SIFT, PolyPhen-2, Align-GVGD) all suggest that this variant is likely to be disruptive. In summary, the available evidence is currently insufficient to determine the role of this variant in disease. Therefore, it has been classified as a Variant of Uncertain Significance.